The following is an entry in ClinVar:

ClinVar aggregate classification (germline): Uncertain significance (1 of 4 stars; one submission).

Conditions:
Neuronal ceroid lipofuscinosis. Also called: Neuronal Ceroid Lipofuscinoses. Identifiers: Orphanet 216, Orphanet 79263, MedGen C0027877, MONDO:0016295. Disease mechanism: loss of function.

Submission:

Labcorp Genetics (formerly Invitae), Labcorp
Classification: Uncertain significance for Neuronal ceroid lipofuscinosis. Last evaluated: 2021-11-10. Review status: criteria provided, single submitter. Criteria: Invitae Variant Classification Sherloc (09022015). Collection method: clinical testing. Allele origin: germline.
Comment: This sequence change replaces serine, which is neutral and polar, with leucine, which is neutral and non-polar, at codon 39 of the CLN5 protein (p.Ser39Leu). This variant is present in population databases (rs61504484, gnomAD 0.003%). This variant has not been reported in the literature in individuals affected with CLN5-related conditions. Algorithms developed to predict the effect of missense changes on protein structure and function output the following: SIFT: "Deleterious"; PolyPhen-2: "Benign"; Align-GVGD: "Class C0". The leucine amino acid residue is found in multiple mammalian species, which suggests that this missense change does not adversely affect protein function. In summary, the available evidence is currently insufficient to determine the role of this variant in disease. Therefore, it has been classified as a Variant of Uncertain Significance.

NC_000013.11:g.76992067C>T

Gene: CLN5 (CLN5 lysosomal BMP synthase; plus strand). Cytogenetic location: 13q22.3.
Variant type: single nucleotide variant.
Genome position: GRCh38 VCF-style: chr13-76992067-C-T. GRCh37 (hg19) VCF-style: chr13-77566202-C-T.
Identifiers: ClinVar variation 1482216 (VCV001482216.3), dbSNP rs61504484, ClinGen allele CA7007093.